The following is an entry in ClinVar:

ClinVar aggregate classification (germline): Pathogenic. Review status: criteria provided, multiple submitters, no conflicts (2 of 4 stars). 2 submissions from 2 submitters: Pathogenic (2). Last evaluated 2024-09-27.

Submissions (2):

Dasa
Classification: Pathogenic. Last evaluated: 2024-09-27. Review status: criteria provided, single submitter. Criteria: DASA Assertion Criteria. Collection method: clinical testing. Allele origin: germline.
Comment: NM_001197104.2(KMT2A):c.8874_8875del (p.Lys2961Glufs*13) is a frameshift variant in KMT2A predicted to alter the reading frame and introduce a premature termination codon and is predicted to result in an absent or altered protein product. Loss of function is an established disease mechanism for KMT2A (PMID: 22795537; PMID: 24818805; PMID: 27759909). This variant has been reported in individuals with KMT2A-related disorders. Also, this variant is absent from population databases. Based on the currently available evidence, this variant is classified as pathogenic.

GeneDx
Classification: Pathogenic. Last evaluated: 2022-07-27. Review status: criteria provided, single submitter. Criteria: GeneDx Variant Classification Process June 2021. Collection method: clinical testing. Allele origin: germline. Affected: yes.
Comment: Frameshift variant predicted to result in protein truncation or nonsense mediated decay in a gene for which loss-of-function is a known mechanism of disease; Not observed at significant frequency in large population cohorts (gnomAD); Has not been previously published as pathogenic or benign to our knowledge

Literature cited by the submitters: PubMed 22795537 (cited by Dasa); PubMed 24818805 (cited by Dasa); PubMed 27759909 (cited by Dasa).

NM_001197104.2(KMT2A):c.8874_8875del (p.Lys2961fs)

Gene: KMT2A (lysine methyltransferase 2A; plus strand). Cytogenetic location: 11q23.3.
Variant type: Deletion.
Coding change: c.8874_8875del on transcript NM_001197104.2 (MANE Select); coding-DNA positions 8874 to 8875, 2 bases deleted (AG; older notation c.8874_8875delAG).
Protein change: p.Lys2961fs; shifts the reading frame from lysine 2961.
Molecular consequence: frameshift variant.
Genome position (GRCh38, 1-based): chr11:118,504,766-118,504,767, AG deleted. VCF-style (leftmost placement, unchanged base first): chr11-118504765-CAG-C. GRCh37 (hg19) VCF-style: chr11-118375480-CAG-C.
Other names: c.8865_8866del, p.Lys2958fs (NM_005933.4); short protein forms K2958fs, K2961fs.
Identifiers: ClinVar variation 1699656 (VCV001699656.4), dbSNP rs2134401291, ClinGen allele CA2580083711.